The following is an entry in ClinVar:

ClinVar aggregate classification (germline): Uncertain significance (1 of 4 stars; one submission).

gnomAD v4.1: 6 of 1,613,274 alleles (0.00037%); highest among the groups gnomAD compares: Non-Finnish European, 0.00051%; no homozygotes.

Submission:

Labcorp Genetics (formerly Invitae), Labcorp
Classification: Uncertain significance. Last evaluated: 2024-12-03. Review status: criteria provided, single submitter. Criteria: Invitae Variant Classification Sherloc (09022015). Collection method: clinical testing. Allele origin: germline.
Comment: This sequence change replaces arginine, which is basic and polar, with glycine, which is neutral and non-polar, at codon 981 of the FBN3 protein (p.Arg981Gly). This variant is present in population databases (no rsID available, gnomAD 0.002%). This variant has not been reported in the literature in individuals affected with FBN3-related conditions. Invitae Evidence Modeling of protein sequence and biophysical properties (such as structural, functional, and spatial information, amino acid conservation, physicochemical variation, residue mobility, and thermodynamic stability) indicates that this missense variant is not expected to disrupt FBN3 protein function with a negative predictive value of 80%. In summary, the available evidence is currently insufficient to determine the role of this variant in disease. Therefore, it has been classified as a Variant of Uncertain Significance.

NM_032447.5(FBN3):c.2941C>G (p.Arg981Gly)

Gene: FBN3 (fibrillin 3; minus strand). Cytogenetic location: 19p13.2.
Variant type: single nucleotide variant.
Coding change: c.2941C>G on transcript NM_032447.5 (MANE Select); coding-DNA position 2941, C replaced by G.
Protein change: p.Arg981Gly; replaces arginine 981 with glycine.
Molecular consequence: missense variant.
Genome position (GRCh38, 1-based): chr19:8,123,799, G>C on the plus strand (C>G on the coding strand, the complement: FBN3 is on the minus strand). VCF-style: chr19-8123799-G-C. GRCh37 (hg19) VCF-style: chr19-8188683-G-C.
Other names: c.2941C>G, p.Arg981Gly (NM_001321431.2); short protein forms R981G.
Identifiers: ClinVar variation 3689038 (VCV003689038.2).